The following is an entry in ClinVar:

ClinVar aggregate classification (germline): Pathogenic (1 of 4 stars; one submission).

Conditions:
Rubinstein-Taybi syndrome (RSTS). Identifiers: Orphanet 783, MedGen C0035934, MONDO:0019188.

Submission:

Labcorp Genetics (formerly Invitae), Labcorp
Classification: Pathogenic for Rubinstein-Taybi syndrome. Last evaluated: 2025-08-16. Review status: criteria provided, single submitter. Criteria: Invitae Variant Classification Sherloc (09022015). Collection method: clinical testing. Allele origin: germline.
Comment: This sequence change creates a premature translational stop signal (p.Gln1994*) in the CREBBP gene. While this is not anticipated to result in nonsense mediated decay, it is expected to disrupt the last 449 amino acid(s) of the CREBBP protein. This variant is not present in population databases (gnomAD no frequency). This variant has not been reported in the literature in individuals affected with CREBBP-related conditions. This variant disrupts a region of the CREBBP protein in which other variant(s) (p.Gln2136Argfs*8) have been determined to be pathogenic (internal data). This suggests that this is a clinically significant region of the protein, and that variants that disrupt it are likely to be disease-causing. For these reasons, this variant has been classified as Pathogenic.

NM_004380.3(CREBBP):c.5980C>T (p.Gln1994Ter)

Gene: CREBBP (CREB binding lysine acetyltransferase; minus strand). Cytogenetic location: 16p13.3.
Variant type: single nucleotide variant.
Coding change: c.5980C>T on transcript NM_004380.3 (MANE Select); coding-DNA position 5980, C replaced by T.
Protein change: p.Gln1994Ter; replaces glutamine 1994 with a stop codon.
Molecular consequence: nonsense.
Genome position (GRCh38, 1-based): chr16:3,729,067, G>A on the plus strand (C>T on the coding strand, the complement: CREBBP is on the minus strand). VCF-style: chr16-3729067-G-A. GRCh37 (hg19) VCF-style: chr16-3779068-G-A.
Other names: c.5866C>T, p.Gln1956Ter (NM_001079846.1); short protein forms Q1956*, Q1994*.
Identifiers: ClinVar variation 4725533 (VCV004725533.1).